The following is an entry in ClinVar:

NM_001197104.2(KMT2A):c.7639C>T (p.Pro2547Ser)

Gene: KMT2A (lysine methyltransferase 2A; plus strand). Cytogenetic location: 11q23.3.
Variant type: single nucleotide variant.
Coding change: c.7639C>T on transcript NM_001197104.2 (MANE Select); coding-DNA position 7639, C replaced by T.
Protein change: p.Pro2547Ser; replaces proline 2547 with serine.
Molecular consequence: missense variant.
Genome position (GRCh38, 1-based): chr11:118,503,531, C>T. VCF-style: chr11-118503531-C-T. GRCh37 (hg19) VCF-style: chr11-118374246-C-T.
Other names: c.7729C>T, p.Pro2577Ser (NM_001412597.1); c.7630C>T, p.Pro2544Ser (NM_005933.4); short protein forms P2544S, P2547S, P2577S.
Identifiers: ClinVar variation 2108819 (VCV002108819.4), dbSNP rs1950534979, ClinGen allele CA382806297.

ClinVar aggregate classification (germline): Uncertain significance (1 of 4 stars; one submission).

Submission:

Labcorp Genetics (formerly Invitae), Labcorp
Classification: Uncertain significance. Last evaluated: 2022-03-14. Review status: criteria provided, single submitter. Criteria: Invitae Variant Classification Sherloc (09022015). Collection method: clinical testing. Allele origin: germline.
Comment: In summary, the available evidence is currently insufficient to determine the role of this variant in disease. Therefore, it has been classified as a Variant of Uncertain Significance. Advanced modeling of protein sequence and biophysical properties (such as structural, functional, and spatial information, amino acid conservation, physicochemical variation, residue mobility, and thermodynamic stability) performed at Invitae indicates that this missense variant is not expected to disrupt KMT2A protein function. This variant has not been reported in the literature in individuals affected with KMT2A-related conditions. This variant is not present in population databases (gnomAD no frequency). This sequence change replaces proline, which is neutral and non-polar, with serine, which is neutral and polar, at codon 2547 of the KMT2A protein (p.Pro2547Ser).